The following is an entry in ClinVar:

ClinVar aggregate classification (germline): Likely benign. Review status: criteria provided, multiple submitters, no conflicts (2 of 4 stars). 2 submissions from 2 submitters: Likely benign (2). Last evaluated 2024-04-02.

Allele frequency attached by ClinVar (database versions not stated): gnomAD exomes 0.00035; ExAC 0.00086; ESP Exome Variant Server 0.00238; gnomAD 0.00263; TOPMed 0.00293; 1000 Genomes Project 0.00419; 1000 Genomes Project 30x 0.00531.
gnomAD v4.1: 943 of 1,614,190 alleles (0.058%); highest among the groups gnomAD compares: African/African-American, 0.93%; 6 homozygotes.

Submissions (2):

Blueprint Genetics
Classification: Likely benign. Last evaluated: 2024-04-02. Review status: criteria provided, single submitter. Criteria: ACMG Guidelines, 2015. Collection method: clinical testing. Allele origin: germline.

CeGaT Center for Human Genetics Tuebingen
Classification: Likely benign. Last evaluated: 2023-11-01. Review status: criteria provided, single submitter. Criteria: CeGaT Center For Human Genetics Tuebingen Variant Classification Criteria Version 2. Collection method: clinical testing. Allele origin: germline. Affected: yes. Observed: 1 variant allele.
Comment: FLG2: BP4, BP7, BS2

NM_001014342.3(FLG2):c.7086G>A (p.Gly2362=)

Genes: CCDST (cervical cancer associated DHX9 suppressive transcript; plus strand), FLG2 (filaggrin 2; minus strand). Cytogenetic location: 1q21.3.
Variant type: single nucleotide variant.
Coding change: c.7086G>A on transcript NM_001014342.3 (MANE Select); coding-DNA position 7086, G replaced by A.
Protein change: p.Gly2362=; no amino-acid change (glycine 2362 retained).
Molecular consequence: synonymous variant.
Genome position (GRCh38, 1-based): chr1:152,350,700, C>T on the plus strand (G>A on the coding strand, the complement: FLG2 is on the minus strand). VCF-style: chr1-152350700-C-T. GRCh37 (hg19) VCF-style: chr1-152323176-C-T.
Identifiers: ClinVar variation 2672355 (VCV002672355.24), dbSNP rs139767736, ClinGen allele CA1108151.